The following is an entry in ClinVar:

NR_197388.1(MIR17HG):n.441dup

Gene: MIR17HG (miR-17-92a-1 cluster host gene; plus strand). Cytogenetic location: 13q31.3.
Variant type: Duplication.
Molecular consequence: non-coding transcript variant (on NR_197388.1).
Genome position: GRCh38 VCF-style: chr13-91350247-C-CT. GRCh37 (hg19) VCF-style: chr13-92002501-C-CT.
Identifiers: ClinVar variation 3045929 (VCV003045929.2), dbSNP rs370066210, ClinGen allele CA254717503.

ClinVar aggregate classification (germline): Likely benign (0 of 4 stars; one submission).

Conditions:
MIR17HG-related disorder. Also called: MIR17HG-related condition.

Submission:

PreventionGenetics, part of Exact Sciences
Classification: Likely benign for MIR17HG-related condition. Last evaluated: 2021-12-31. Review status: no assertion criteria provided. Collection method: clinical testing. Allele origin: germline.
Comment: This variant is classified as likely benign based on ACMG/AMP sequence variant interpretation guidelines (Richards et al. 2015 PMID: 25741868, with internal and published modifications).